The following is an entry in ClinVar:

NM_001018115.3(FANCD2):c.1796G>A (p.Arg599Lys)

Genes: FANCD2 (FA complementation group D2; plus strand), LOC107303338 (3p25 FANCD2 Alu-mediated recombination region; plus strand). Cytogenetic location: 3p25.3.
Variant type: single nucleotide variant.
Coding change: c.1796G>A on transcript NM_001018115.3 (MANE Select); coding-DNA position 1796, G replaced by A.
Protein change: p.Arg599Lys; replaces arginine 599 with lysine.
Molecular consequence: missense variant.
Genome position (GRCh38, 1-based): chr3:10,062,180, G>A. VCF-style: chr3-10062180-G-A. GRCh37 (hg19) VCF-style: chr3-10103864-G-A.
Other names: c.1796G>A, p.Arg599Lys (NM_001319984.2, NM_001374254.1, NM_033084.6); c.1685G>A, p.Arg562Lys (NM_001374253.1); short protein forms R599K, R562K.
Identifiers: ClinVar variation 664223 (VCV000664223.10), dbSNP rs1575787379, ClinGen allele CA351728464.
Genomic context (GRCh38, chr3:10,062,180, plus strand): 5'-AATAATTTAAAAAAAAATTCTTTGTTTTTAGAAGTGAATCACCTAGTTTGACCCAAGAGA[G>A]AGCCAACCTGAGCGATGAGCAGTGCACACAGGTGAGTTCTTTTTTTCCTTTCTTTCTTTT-3'
Protein context (NP_001018125.1, residues 589-609): RSESPSLTQE[Arg599Lys]ANLSDEQCTQ

ClinVar aggregate classification (germline): Uncertain significance (1 of 4 stars; one submission).

Conditions:
Fanconi anemia (FA). Also called: Fanconi's anemia. Identifiers: Orphanet 84, MedGen C0015625, MeSH D005199, MONDO:0019391.

Submission:

Labcorp Genetics (formerly Invitae), Labcorp
Classification: Uncertain significance for Fanconi anemia. Last evaluated: 2022-02-24. Review status: criteria provided, single submitter. Criteria: Invitae Variant Classification Sherloc (09022015). Collection method: clinical testing. Allele origin: germline.
Comment: This sequence change replaces arginine, which is basic and polar, with lysine, which is basic and polar, at codon 599 of the FANCD2 protein (p.Arg599Lys). This variant is not present in population databases (gnomAD no frequency). This variant has not been reported in the literature in individuals affected with FANCD2-related conditions. ClinVar contains an entry for this variant (Variation ID: 664223). Algorithms developed to predict the effect of missense changes on protein structure and function output the following: SIFT: "Tolerated"; PolyPhen-2: "Benign"; Align-GVGD: "Class C0". The lysine amino acid residue is found in multiple mammalian species, which suggests that this missense change does not adversely affect protein function. In summary, the available evidence is currently insufficient to determine the role of this variant in disease. Therefore, it has been classified as a Variant of Uncertain Significance.